The following is an entry in ClinVar:

NM_007194.4(CHEK2):c.1607del (p.Pro536fs)

Gene: CHEK2 (checkpoint kinase 2; minus strand). Cytogenetic location: 22q12.1.
Variant type: Deletion.
Coding change: c.1607del on transcript NM_007194.4 (MANE Select); coding-DNA position 1607, one base deleted (C; older notation c.1607delC).
Protein change: p.Pro536fs; shifts the reading frame from proline 536.
Molecular consequence: frameshift variant.
Genome position (GRCh38, 1-based): chr22:28,687,922, G deleted on the plus strand (C on the coding strand, the reverse complement: CHEK2 is on the minus strand); the first of 3 consecutive G bases (chr22:28,687,922-28,687,924); deleting any one gives the same sequence. VCF-style (leftmost placement, unchanged base first): chr22-28687921-TG-T. GRCh37 (hg19) VCF-style: chr22-29083909-TG-T.
Other names: c.1734delC, p.Pro579Glnfs (NM_001005735.3); c.942delC, p.Pro315Glnfs (NM_001257387.3); c.1404delC, p.Pro469Glnfs (NM_001349956.3); c.1518delC, p.Pro507Glnfs (NM_145862.3); short protein forms P315fs, P579fs, P469fs, P507fs, P536fs.
Identifiers: ClinVar variation 460814 (VCV000460814.26), dbSNP rs1555911551, ClinGen allele CA658656803.

ClinVar aggregate classification (germline): Uncertain significance. Review status: criteria provided, single submitter (1 of 4 stars). 2 submissions from 2 submitters: Uncertain significance (1). 1 of the submissions does not count toward it. Last evaluated 2024-09-25.

Conditions:
Gastric cancer. Also called: Stomach cancer; Malignant tumor of stomach. Identifiers: MedGen C0024623, MeSH D013274, MONDO:0001056, OMIM 613659, HP:0012126.
Familial cancer of breast. Also called: Hereditary breast cancer; BREAST CANCER, FAMILIAL; hereditary breast carcinoma. Identifiers: Orphanet 227535, MedGen C0346153, MONDO:0016419, OMIM 114480. Disease mechanism: loss of function.

Submissions (2):

Labcorp Genetics (formerly Invitae), Labcorp
Classification: Uncertain significance for Familial cancer of breast. Last evaluated: 2024-09-25. Review status: criteria provided, single submitter. Criteria: Invitae Variant Classification Sherloc (09022015). Collection method: clinical testing. Allele origin: germline.
Comment: This sequence change results in a frameshift in the CHEK2 gene (p.Pro536Glnfs*30). While this is not anticipated to result in nonsense mediated decay, it is expected to disrupt the last 8 amino acid(s) of the CHEK2 protein and extend the protein by 21 additional amino acid residues. This variant is not present in population databases (gnomAD no frequency). This frameshift has been observed in individual(s) with breast cancer (PMID: 28724667). ClinVar contains an entry for this variant (Variation ID: 460814). Experimental studies and prediction algorithms are not available or were not evaluated, and the functional significance of this variant is currently unknown. In summary, the available evidence is currently insufficient to determine the role of this variant in disease. Therefore, it has been classified as a Variant of Uncertain Significance.

Laboratory for Genotyping Development, RIKEN
Classification: Pathogenic for Gastric cancer. Last evaluated: 2021-07-01. Review status: no assertion criteria provided. Collection method: research. Allele origin: germline. Not counted in ClinVar's aggregate classification.

Literature cited by the submitters: PubMed 28724667 (cited by Labcorp Genetics (formerly Invitae), Labcorp); PubMed 36988593 (cited by Laboratory for Genotyping Development, RIKEN).